The following is an entry in ClinVar:

ClinVar aggregate classification (germline): Pathogenic (1 of 4 stars; one submission).

Conditions:
Multiple sulfatase deficiency (MSD). Also called: Mucosulfatidosis; Multiple Sulfatase Deficiency Disease; Sulfatidosis, Juvenile, Austin Type. Identifiers: Orphanet 585, MedGen C0268263, MONDO:0010088, OMIM 272200.

Submission:

Labcorp Genetics (formerly Invitae), Labcorp
Classification: Pathogenic for Multiple sulfatase deficiency. Last evaluated: 2022-06-19. Review status: criteria provided, single submitter. Criteria: Invitae Variant Classification Sherloc (09022015). Collection method: clinical testing. Allele origin: germline.
Comment: This variant is a gross deletion of the genomic region encompassing exon(s) 4-9 of the SUMF1 gene, which includes the termination codon. This deletion extends beyond the assayed region for this gene and therefore may encompass additional genes. While this deletion is not anticipated to lead to nonsense mediated decay, it is expected to alter mRNA translation or result in a truncated protein product. This variant has not been reported in the literature in individuals affected with SUMF1-related conditions. This variant disrupts a region of the SUMF1 protein in which other variant(s) (p.Arg349Trp) have been determined to be pathogenic (PMID: 12757705, 12757706, 15146462, 17881260, 18157819). This suggests that this is a clinically significant region of the protein, and that variants that disrupt it are likely to be disease-causing. For these reasons, this variant has been classified as Pathogenic.

Literature cited by the submitters: PubMed 12757705; PubMed 12757706; PubMed 15146462; PubMed 17881260; PubMed 18157819.

NC_000003.11:g.(?_4403818)_(4461840_?)del

Gene: SUMF1 (sulfatase modifying factor 1; minus strand). Cytogenetic location: 3p26.1.
Variant type: Deletion.
Identifiers: ClinVar variation 1459688 (VCV001459688.4).